The following is an entry in ClinVar:

ClinVar aggregate classification (germline): Uncertain significance. Review status: criteria provided, multiple submitters, no conflicts (2 of 4 stars). 4 submissions from 4 submitters: Uncertain significance (4). Last evaluated 2025-05-28.

Conditions:
Hereditary cancer-predisposing syndrome. Also called: Neoplastic Syndromes, Hereditary; Tumor predisposition; Hereditary Cancer Syndrome; Hereditary neoplastic syndrome. Identifiers: Orphanet 140162, MedGen C0027672, MeSH D009386, MONDO:0015356.
Familial cancer of breast. Also called: BREAST CANCER, FAMILIAL; Hereditary breast cancer; hereditary breast carcinoma. Identifiers: Orphanet 227535, MedGen C0346153, MONDO:0016419, OMIM 114480. Disease mechanism: loss of function.

Allele frequency attached by ClinVar (database versions not stated): gnomAD exomes below 0.00001 and 0.00001; TOPMed 0.00001.
gnomAD v4.1: 5 of 1,614,034 alleles (0.00031%); highest among the groups gnomAD compares: South Asian, 0.0011%; no homozygotes.

Submissions (4):

Ambry Genetics
Classification: Uncertain significance for Hereditary cancer-predisposing syndrome. Last evaluated: 2025-05-28. Review status: criteria provided, single submitter. Criteria: Ambry Variant Classification Scheme 2023. Collection method: clinical testing. Allele origin: germline.
Comment: The p.G491R variant (also known as c.1471G>A), located in coding exon 6 of the BARD1 gene, results from a G to A substitution at nucleotide position 1471. The glycine at codon 491 is replaced by arginine, an amino acid with dissimilar properties. This amino acid position is highly conserved in available vertebrate species. In addition, this alteration is predicted to be deleterious by in silico analysis. Based on the available evidence, the clinical significance of this variant remains unclear.

Labcorp Genetics (formerly Invitae), Labcorp
Classification: Uncertain significance for Familial cancer of breast. Last evaluated: 2025-01-29. Review status: criteria provided, single submitter. Criteria: Invitae Variant Classification Sherloc (09022015). Collection method: clinical testing. Allele origin: germline.
Comment: This sequence change replaces glycine, which is neutral and non-polar, with arginine, which is basic and polar, at codon 491 of the BARD1 protein (p.Gly491Arg). This variant is present in population databases (rs587782003, gnomAD 0.004%). This variant has not been reported in the literature in individuals affected with BARD1-related conditions. ClinVar contains an entry for this variant (Variation ID: 141777). An algorithm developed to predict the effect of missense changes on protein structure and function (PolyPhen-2) suggests that this variant is likely to be disruptive. Experimental studies have shown that this missense change affects BARD1 function (PMID: 34102105). RNA analysis performed to evaluate the impact of this missense change on mRNA splicing indicates it does not significantly alter splicing (internal data). In summary, the available evidence is currently insufficient to determine the role of this variant in disease. Therefore, it has been classified as a Variant of Uncertain Significance.

GeneDx
Classification: Uncertain significance. Last evaluated: 2024-10-02. Review status: criteria provided, single submitter. Criteria: GeneDx Variant Classification Process June 2021. Collection method: clinical testing. Allele origin: germline. Affected: yes.
Comment: Not observed at significant frequency in large population cohorts (gnomAD); In silico analysis supports that this missense variant has a deleterious effect on protein structure/function; Not observed in any cases, but was observed in unaffected controls from a biliary tract cancer study (PMID: 36243179); Published functional studies demonstrate a damaging effect: reduced binding compared to wildtype (PMID: 34102105); This variant is associated with the following publications: (PMID: 18480049, 36243179, 34102105)

Color Diagnostics, LLC DBA Color Health
Classification: Uncertain significance for Hereditary cancer-predisposing syndrome. Last evaluated: 2021-06-28. Review status: criteria provided, single submitter. Criteria: ACMG Guidelines, 2015. Collection method: clinical testing. Allele origin: germline.
Comment: This missense variant replaces glycine with arginine at codon 491 of the BARD1 protein. Computational prediction is inconclusive regarding the impact of this variant on protein structure and function (internally defined REVEL score threshold 0.5 < inconclusive < 0.7, PMID: 27666373). To our knowledge, functional studies have not been reported for this variant. This variant has not been reported in individuals affected with hereditary cancer in the literature. This variant has been identified in 2/251300 chromosomes in the general population by the Genome Aggregation Database (gnomAD). The available evidence is insufficient to determine the role of this variant in disease conclusively. Therefore, this variant is classified as a Variant of Uncertain Significance.

Literature cited by the submitters: PubMed 34102105 (cited by Labcorp Genetics (formerly Invitae), Labcorp).

NM_000465.4(BARD1):c.1471G>A (p.Gly491Arg)

Gene: BARD1 (BRCA1 associated RING domain 1; minus strand). Cytogenetic location: 2q35.
Variant type: single nucleotide variant.
Coding change: c.1471G>A on transcript NM_000465.4 (MANE Select); coding-DNA position 1471, G replaced by A.
Protein change: p.Gly491Arg; replaces glycine 491 with arginine.
Molecular consequence: missense variant. On other transcripts: non-coding transcript variant (3), intron variant (3).
Genome position (GRCh38, 1-based): chr2:214,767,579, C>T on the plus strand (G>A on the coding strand, the complement: BARD1 is on the minus strand). VCF-style: chr2-214767579-C-T. GRCh37 (hg19) VCF-style: chr2-215632303-C-T.
Other names: c.1414G>A, p.Gly472Arg (NM_001282543.2); c.159-15024G>A (NM_001282548.2); c.216-15024G>A (NM_001282545.2); c.364+24718G>A (NM_001282549.2); short protein forms G491R, G472R.
Identifiers: ClinVar variation 141777 (VCV000141777.19), dbSNP rs587782003, ClinGen allele CA166394.